The following is an entry in ClinVar:

NM_019032.6(ADAMTSL4):c.2560-14CTC[2]

Gene: ADAMTSL4 (ADAMTS like 4; plus strand). Cytogenetic location: 1q21.2.
Variant type: Microsatellite.
Coding change: c.2560-14CTC[2] on transcript NM_019032.6 (MANE Select); two copies in a row of the 3-base unit CTC starting at c.2560-14.
Molecular consequence: intron variant.
Genome position: GRCh38 VCF-style: chr1-150558947-TCTC-T. GRCh37 (hg19) VCF-style: chr1-150531423-TCTC-T.
Other names: c.2560-7_2560-5del (NM_019032.6); c.2629-14CTC[2] (NM_001288608.2); c.2443-14CTC[2] (NM_001288607.2); c.2560-14CTC[2] (NM_001378596.1).
Identifiers: ClinVar variation 1601344 (VCV001601344.15), dbSNP rs373643644, ClinGen allele CA1078763.

ClinVar aggregate classification (germline): Benign/Likely benign. Review status: criteria provided, multiple submitters, no conflicts (2 of 4 stars). 4 submissions from 4 submitters: Benign (1); Likely benign (3). Last evaluated 2026-02-04.

Conditions:
Ectopia lentis et pupillae. Also called: ECTOPIA LENTIS WITH ECTOPIA OF PUPIL. Identifiers: Orphanet 1885, MedGen C1644196, MONDO:0009153, OMIM 225200.
Ectopia lentis 2, isolated, autosomal recessive (ECTOL2). Identifiers: Orphanet 1885, MedGen C3541474, MONDO:0009152, OMIM 225100.

Submissions (4):

Labcorp Genetics (formerly Invitae), Labcorp
Classification: Benign. Last evaluated: 2026-02-04. Review status: criteria provided, single submitter. Criteria: Invitae Variant Classification Sherloc (09022015). Collection method: clinical testing. Allele origin: germline.

CeGaT Center for Human Genetics Tuebingen
Classification: Likely benign. Last evaluated: 2025-12-01. Review status: criteria provided, single submitter. Criteria: CeGaT Center For Human Genetics Tuebingen Variant Classification Criteria Version 2. Collection method: clinical testing. Allele origin: germline. Affected: yes. Observed: 1 variant allele.
Comment: ADAMTSL4: BP4, BS2

Blueprint Genetics
Classification: Likely benign. Last evaluated: 2024-11-20. Review status: criteria provided, single submitter. Criteria: ACMG Guidelines, 2015. Collection method: clinical testing. Allele origin: germline.

Fulgent Genetics
Classification: Likely benign for Ectopia lentis 2, isolated, autosomal recessive; Ectopia lentis et pupillae. Last evaluated: 2021-08-23. Review status: criteria provided, single submitter. Criteria: ACMG Guidelines, 2015. Collection method: clinical testing. Allele origin: unknown.